The following is an entry in ClinVar:

ClinVar aggregate classification (germline): Uncertain significance. Review status: criteria provided, multiple submitters, no conflicts (2 of 4 stars). 2 submissions from 2 submitters: Uncertain significance (2). Last evaluated 2025-10-07.

Conditions:
Hereditary cancer-predisposing syndrome. Also called: Neoplastic Syndromes, Hereditary; Tumor predisposition; Hereditary Cancer Syndrome; Hereditary neoplastic syndrome. Identifiers: Orphanet 140162, MedGen C0027672, MeSH D009386, MONDO:0015356.
Familial cancer of breast. Also called: BREAST CANCER, FAMILIAL; Hereditary breast cancer; hereditary breast carcinoma. Identifiers: Orphanet 227535, MedGen C0346153, MONDO:0016419, OMIM 114480. Disease mechanism: loss of function.

Submissions (2):

Ambry Genetics
Classification: Uncertain significance for Hereditary cancer-predisposing syndrome. Last evaluated: 2025-10-07. Review status: criteria provided, single submitter. Criteria: Ambry Variant Classification Scheme 2023. Collection method: clinical testing. Allele origin: germline.
Comment: The c.1678-3C>T intronic variant results from a C to T substitution 3 nucleotides upstream from coding exon 8 in the BARD1 gene. This nucleotide position is well conserved in available vertebrate species. In silico splice site analysis predicts that this alteration will not have any significant effect on splicing. Based on the available evidence, the clinical significance of this variant remains unclear.

Labcorp Genetics (formerly Invitae), Labcorp
Classification: Uncertain significance for Familial cancer of breast. Last evaluated: 2021-12-27. Review status: criteria provided, single submitter. Criteria: Invitae Variant Classification Sherloc (09022015). Collection method: clinical testing. Allele origin: germline.
Comment: In summary, the available evidence is currently insufficient to determine the role of this variant in disease. Therefore, it has been classified as a Variant of Uncertain Significance. Variants that disrupt the consensus splice site are a relatively common cause of aberrant splicing (PMID: 17576681, 9536098). Algorithms developed to predict the effect of sequence changes on RNA splicing suggest that this variant may disrupt the consensus splice site. This variant has not been reported in the literature in individuals affected with BARD1-related conditions. This variant is not present in population databases (gnomAD no frequency). This sequence change falls in intron 7 of the BARD1 gene. It does not directly change the encoded amino acid sequence of the BARD1 protein. It affects a nucleotide within the consensus splice site.

Literature cited by the submitters: PubMed 17576681 (cited by Labcorp Genetics (formerly Invitae), Labcorp); PubMed 9536098 (cited by Labcorp Genetics (formerly Invitae), Labcorp).

NM_000465.4(BARD1):c.1678-3C>T

Gene: BARD1 (BRCA1 associated RING domain 1; minus strand). Cytogenetic location: 2q35.
Variant type: single nucleotide variant.
Coding change: c.1678-3C>T on transcript NM_000465.4 (MANE Select); 3 bases into the intron before coding-DNA position 1678, C replaced by T.
Molecular consequence: intron variant.
Genome position (GRCh38, 1-based): chr2:214,745,857, G>A on the plus strand (C>T on the coding strand, the complement: BARD1 is on the minus strand). VCF-style: chr2-214745857-G-A. GRCh37 (hg19) VCF-style: chr2-215610581-G-A.
Other names: c.268-3C>T (NM_001282548.2); c.1621-3C>T (NM_001282543.2); c.325-3C>T (NM_001282545.2); c.365-15349C>T (NM_001282549.2).
Identifiers: ClinVar variation 1777826 (VCV001777826.8), dbSNP rs1693089932, ClinGen allele CA2580065625.